The following is an entry in ClinVar:

NM_001135649.3(FOXI3):c.117G>A (p.Leu39=)

Gene: FOXI3 (forkhead box I3; minus strand). Cytogenetic location: 2p11.2.
Variant type: single nucleotide variant.
Coding change: c.117G>A on transcript NM_001135649.3 (MANE Select); coding-DNA position 117, G replaced by A.
Protein change: p.Leu39=; no amino-acid change (leucine 39 retained).
Molecular consequence: synonymous variant.
Genome position (GRCh38, 1-based): chr2:88,452,419, C>T on the plus strand (G>A on the coding strand, the complement: FOXI3 is on the minus strand). VCF-style: chr2-88452419-C-T. GRCh37 (hg19) VCF-style: chr2-88751937-C-T.
Other names: c.117G>A (NM_001135649.2).
Identifiers: ClinVar variation 1913277 (VCV001913277.6), dbSNP rs1181361016, ClinGen allele CA427452801.

ClinVar aggregate classification (germline): Likely benign. Review status: criteria provided, single submitter (1 of 4 stars). 2 submissions from 2 submitters: Likely benign (1). 1 of the submissions does not count toward it. Last evaluated 2024-09-12.

Conditions:
FOXI3-related disorder. Also called: FOXI3-related condition.

Allele frequency attached by ClinVar (database versions not stated): TOPMed below 0.00001; gnomAD 0.00001.

Submissions (2):

Labcorp Genetics (formerly Invitae), Labcorp
Classification: Likely benign. Last evaluated: 2024-09-12. Review status: criteria provided, single submitter. Criteria: Invitae Variant Classification Sherloc (09022015). Collection method: clinical testing. Allele origin: germline.

PreventionGenetics, part of Exact Sciences
Classification: Likely benign for FOXI3-related condition. Last evaluated: 2023-09-15. Review status: no assertion criteria provided. Collection method: clinical testing. Allele origin: germline. Not counted in ClinVar's aggregate classification.
Comment: This variant is classified as likely benign based on ACMG/AMP sequence variant interpretation guidelines (Richards et al. 2015 PMID: 25741868, with internal and published modifications).